The following is an entry in ClinVar:

NM_182961.4(SYNE1):c.4814T>A (p.Leu1605Gln)

Gene: SYNE1 (spectrin repeat containing nuclear envelope protein 1; minus strand). Cytogenetic location: 6q25.2.
Variant type: single nucleotide variant.
Coding change: c.4814T>A on transcript NM_182961.4 (MANE Select); coding-DNA position 4814, T replaced by A.
Protein change: p.Leu1605Gln; replaces leucine 1605 with glutamine.
Molecular consequence: missense variant.
Genome position (GRCh38, 1-based): chr6:152,428,367, A>T on the plus strand (T>A on the coding strand, the complement: SYNE1 is on the minus strand). VCF-style: chr6-152428367-A-T. GRCh37 (hg19) VCF-style: chr6-152749502-A-T.
Other names: c.4835T>A, p.Leu1612Gln (NM_033071.5); short protein forms L1605Q, L1612Q.
Identifiers: ClinVar variation 5006987 (VCV005006987.2).
Genomic context (GRCh38, chr6:152,428,367, plus strand): 5'-CAGGAATCTCTGTTCACAACCTTCCTGGCACTGGCTGAGAAGGCAGTGATCGCGCTGCTC[A>T]GTGACTCCAGGGCCTGGCAGAGATCCTAAGAAGAGTGCGAGAAGAATGCAGTGAAAGCAC-3'
Protein context (NP_892006.3, residues 1595-1615): HMDLCQALES[Leu1605Gln]SSAITAFSAS

ClinVar aggregate classification (germline): Uncertain significance (1 of 4 stars; one submission).

Conditions:
Autosomal recessive ataxia, Beauce type. Also called: Spinocerebellar ataxia, autosomal recessive 8; SYNE1 Deficiency; ATAXIA, RECESSIVE, OF BEAUCE; SYNE1-Related Autosomal Recessive Cerebellar Ataxia. Identifiers: Orphanet 88644, MedGen C1853116, MONDO:0012549, OMIM 610743.
Arthrogryposis multiplex congenita 3, myogenic type. Also called: ARTHROGRYPOSIS MULTIPLEX CONGENITA, MYOGENIC TYPE. Identifiers: MedGen C5193121, MONDO:0032778, OMIM 618484.
Emery-Dreifuss muscular dystrophy 4, autosomal dominant (EDMD4). Also called: EMERY-DREIFUSS MUSCULAR DYSTROPHY 4 WITH VARIABLE FEATURES. Identifiers: Orphanet 261, MedGen C2751807, MONDO:0013071, OMIM 612998.

gnomAD v4.1: 1 of 1,613,926 alleles (0.000062%); highest among the groups gnomAD compares: East Asian, 0.0022%; no homozygotes.

Submission:

Juno Genomics, Hangzhou Juno Genomics, Inc
Classification: Uncertain significance for Autosomal recessive ataxia, Beauce type; Arthrogryposis multiplex congenita 3, myogenic type; Emery-Dreifuss muscular dystrophy 4, autosomal dominant. Review status: criteria provided, single submitter. Criteria: ACMG Guidelines, 2015. Collection method: clinical testing. Allele origin: germline.
Comment: Absent from controls (or at extremely low frequency if recessive) in Genome Aggregation Database.;Missense variant in a gene that has a low rate of benign missense variation.